The following is an entry in ClinVar:

ClinVar aggregate classification (germline): Uncertain significance. Review status: criteria provided, multiple submitters, no conflicts (2 of 4 stars). 3 submissions from 3 submitters: Uncertain significance (3). Last evaluated 2024-01-22.

Conditions:
Inborn genetic diseases. Identifiers: MedGen C0950123, MeSH D030342.

Allele frequency attached by ClinVar (database versions not stated): gnomAD exomes 0.00001; ExAC 0.00002; gnomAD 0.00005; TOPMed 0.00008; ESP Exome Variant Server 0.00023.
gnomAD v4.1: 19 of 1,613,888 alleles (0.0012%); highest among the groups gnomAD compares: African/African-American, 0.023%; no homozygotes.

Submissions (3):

Labcorp Genetics (formerly Invitae), Labcorp
Classification: Uncertain significance. Last evaluated: 2024-01-22. Review status: criteria provided, single submitter. Criteria: Invitae Variant Classification Sherloc (09022015). Collection method: clinical testing. Allele origin: germline.
Comment: This sequence change replaces valine, which is neutral and non-polar, with isoleucine, which is neutral and non-polar, at codon 75 of the PEX11B protein (p.Val75Ile). This variant is present in population databases (rs139514346, gnomAD 0.01%). This variant has not been reported in the literature in individuals affected with PEX11B-related conditions. ClinVar contains an entry for this variant (Variation ID: 967497). An algorithm developed to predict the effect of missense changes on protein structure and function (PolyPhen-2) suggests that this variant¬†is likely to be tolerated. In summary, the available evidence is currently insufficient to determine the role of this variant in disease. Therefore, it has been classified as a Variant of Uncertain Significance.

Ambry Genetics
Classification: Uncertain significance for Inborn genetic diseases. Last evaluated: 2023-12-13. Review status: criteria provided, single submitter. Criteria: Ambry Variant Classification Scheme 2023. Collection method: clinical testing. Allele origin: germline.

Blueprint Genetics
Classification: Uncertain significance. Last evaluated: 2021-06-17. Review status: criteria provided, single submitter. Criteria: ACMG Guidelines, 2015. Collection method: clinical testing. Allele origin: germline.

NM_003846.3(PEX11B):c.223G>A (p.Val75Ile)

Gene: PEX11B (peroxisomal biogenesis factor 11 beta; minus strand). Cytogenetic location: 1q21.1.
Variant type: single nucleotide variant.
Coding change: c.223G>A on transcript NM_003846.3 (MANE Select); coding-DNA position 223, G replaced by A.
Protein change: p.Val75Ile; replaces valine 75 with isoleucine.
Molecular consequence: missense variant. On other transcripts: non-coding transcript variant (3).
Genome position (GRCh38, 1-based): chr1:145,916,968, C>T on the plus strand (G>A on the coding strand, the complement: PEX11B is on the minus strand). VCF-style: chr1-145916968-C-T. GRCh37 (hg19) VCF-style: chr1-145518121-G-A.
Other names: c.181G>A, p.Val61Ile (NM_001184795.1); short protein forms V61I, V75I.
Identifiers: ClinVar variation 967497 (VCV000967497.11), dbSNP rs139514346, ClinGen allele CA1055551.